The following is an entry in ClinVar:

ClinVar aggregate classification (germline): Likely pathogenic (1 of 4 stars; one submission).

Conditions:
Dilated cardiomyopathy 1G (CMD1G). Identifiers: Orphanet 154, MedGen C1858763, MONDO:0011400, OMIM 604145.
Autosomal recessive limb-girdle muscular dystrophy type 2J (LGMDR10). Also called: Limb-girdle muscular dystrophy, type 2J; MUSCULAR DYSTROPHY, LIMB-GIRDLE, AUTOSOMAL RECESSIVE 10. Identifiers: Orphanet 140922, MedGen C1837342, MONDO:0012127, OMIM 608807.

Submission:

Labcorp Genetics (formerly Invitae), Labcorp
Classification: Likely pathogenic for Dilated cardiomyopathy 1G; Autosomal recessive limb-girdle muscular dystrophy type 2J. Last evaluated: 2021-04-23. Review status: criteria provided, single submitter. Criteria: Invitae Variant Classification Sherloc (09022015). Collection method: clinical testing. Allele origin: germline.
Comment: This sequence change creates a premature translational stop signal (p.Gln28308Lysfs*7) in the TTN gene. While this is not anticipated to result in nonsense mediated decay, it is expected to create a truncated TTN protein. This variant is not present in population databases (ExAC no frequency). This variant has not been reported in the literature in individuals with TTN-related conditions. This variant is located in the A band of TTN (PMID: 25589632). Truncating variants in this region are significantly overrepresented in patients affected with dilated cardiomyopathy (PMID: 25589632). Truncating variants in this region have also been reported in individuals affected with autosomal recessive centronuclear myopathy (PMID: 23975875). In summary, the currently available evidence indicates that the variant is pathogenic, but additional data are needed to prove that conclusively. Therefore, this variant has been classified as Likely Pathogenic.

Literature cited by the submitters: PubMed 25589632; PubMed 23975875.

NM_001267550.2(TTN):c.84922del (p.Gln28308fs)

Genes: TTN (titin; minus strand), TTN-AS1 (TTN antisense RNA 1; plus strand). Cytogenetic location: 2q31.2.
Variant type: Deletion.
Coding change: c.84922del on transcript NM_001267550.2 (MANE Select); coding-DNA position 84922, one base deleted (C; older notation c.84922delC).
Protein change: p.Gln28308fs; shifts the reading frame from glutamine 28308.
Molecular consequence: frameshift variant.
Genome position (GRCh38, 1-based): chr2:178,561,210, G deleted on the plus strand (C on the coding strand, the reverse complement: TTN is on the minus strand). VCF-style (leftmost placement, unchanged base first): chr2-178561209-TG-T. GRCh37 (hg19) VCF-style: chr2-179425936-TG-T.
Other names: c.79999del, p.Gln26667fs (NM_001256850.1); c.57727del, p.Gln19243fs (NM_003319.4); c.77218del, p.Gln25740fs (NM_133378.4); c.58102del, p.Gln19368fs (NM_133432.3); c.58303del, p.Gln19435fs (NM_133437.4); short protein forms Q19368fs, Q28308fs, Q19243fs, Q25740fs, Q19435fs, Q26667fs.
Identifiers: ClinVar variation 1525773 (VCV001525773.8), dbSNP rs2154159416, ClinGen allele CA2573134123.
Genomic context (GRCh38, chr2:178,561,209, plus strand): 5'-AAAACCCGGAATTCATAACGCTGATCTTCAGTAAGTTCAGTTACTTCAAAGTATGTTTCT[TG>T]TATATTAGTATAATTGCACTTCAGCCACCGGCCATCTGGTAGTTCTCTGCGTTCAACAAT-3'